The following is an entry in ClinVar:

NM_153365.3(TAPT1):c.1474G>A (p.Gly492Ser)

Gene: TAPT1 (transmembrane anterior posterior transformation 1; minus strand). Cytogenetic location: 4p15.32.
Variant type: single nucleotide variant.
Coding change: c.1474G>A on transcript NM_153365.3 (MANE Select); coding-DNA position 1474, G replaced by A.
Protein change: p.Gly492Ser; replaces glycine 492 with serine.
Molecular consequence: missense variant.
Genome position (GRCh38, 1-based): chr4:16,166,633, C>T on the plus strand (G>A on the coding strand, the complement: TAPT1 is on the minus strand). VCF-style: chr4-16166633-C-T. GRCh37 (hg19) VCF-style: chr4-16168256-C-T.
Other names: p.Gly492Ser; short protein forms G492S.
Identifiers: ClinVar variation 1985093 (VCV001985093.2), dbSNP rs138378020, ClinGen allele CA2867277.

ClinVar aggregate classification (germline): Uncertain significance. Review status: criteria provided, multiple submitters, no conflicts (2 of 4 stars). 2 submissions from 2 submitters: Uncertain significance (2). Last evaluated 2024-05-08.

Allele frequency attached by ClinVar (database versions not stated): TOPMed 0.00002; gnomAD exomes 0.00008.
gnomAD v4.1: 123 of 1,613,526 alleles (0.0076%); highest among the groups gnomAD compares: Non-Finnish European, 0.01%; no homozygotes.

Submissions (2):

Mayo Clinic Laboratories, Mayo Clinic
Classification: Uncertain significance. Last evaluated: 2024-05-08. Review status: criteria provided, single submitter. Criteria: ACMG Guidelines, 2015. Collection method: clinical testing. Allele origin: germline. Observed: 1 variant allele.
Comment: PM2

Labcorp Genetics (formerly Invitae), Labcorp
Classification: Uncertain significance. Last evaluated: 2022-04-09. Review status: criteria provided, single submitter. Criteria: Invitae Variant Classification Sherloc (09022015). Collection method: clinical testing. Allele origin: germline.
Comment: This sequence change replaces glycine, which is neutral and non-polar, with serine, which is neutral and polar, at codon 492 of the TAPT1 protein (p.Gly492Ser). This variant also falls at the last nucleotide of exon 13, which is part of the consensus splice site for this exon. This variant is present in population databases (rs138378020, gnomAD 0.004%). This variant has not been reported in the literature in individuals affected with TAPT1-related conditions. Algorithms developed to predict the effect of missense changes on protein structure and function (SIFT, PolyPhen-2, Align-GVGD) all suggest that this variant is likely to be tolerated. Variants that disrupt the consensus splice site are a relatively common cause of aberrant splicing (PMID: 17576681, 9536098). Algorithms developed to predict the effect of sequence changes on RNA splicing suggest that this variant may create or strengthen a splice site. In summary, the available evidence is currently insufficient to determine the role of this variant in disease. Therefore, it has been classified as a Variant of Uncertain Significance.

Literature cited by the submitters: PubMed 17576681 (cited by Labcorp Genetics (formerly Invitae), Labcorp); PubMed 9536098 (cited by Labcorp Genetics (formerly Invitae), Labcorp).